The following is an entry in ClinVar:

ClinVar aggregate classification (germline): Uncertain significance. Review status: criteria provided, multiple submitters, no conflicts (2 of 4 stars). 3 submissions from 3 submitters: Uncertain significance (3). Last evaluated 2025-07-11.

Conditions:
Inborn genetic diseases. Identifiers: MedGen C0950123, MeSH D030342.

Allele frequency attached by ClinVar (database versions not stated): gnomAD exomes 0.00003; TOPMed 0.00002; gnomAD 0.00001.
gnomAD v4.1: 16 of 1,541,534 alleles (0.001%); highest among the groups gnomAD compares: Admixed American, 0.03%; no homozygotes.

Submissions (3):

GeneDx
Classification: Uncertain significance. Last evaluated: 2025-07-11. Review status: criteria provided, single submitter. Criteria: GeneDx Variant Classification Process June 2021. Collection method: clinical testing. Allele origin: germline. Affected: yes.
Comment: In silico analysis suggests that this missense variant does not alter protein structure/function; Has not been previously published as pathogenic or benign to our knowledge

Labcorp Genetics (formerly Invitae), Labcorp
Classification: Uncertain significance. Last evaluated: 2022-07-11. Review status: criteria provided, single submitter. Criteria: Invitae Variant Classification Sherloc (09022015). Collection method: clinical testing. Allele origin: germline.
Comment: This variant is present in population databases (rs782207322, gnomAD 0.04%). This variant has not been reported in the literature in individuals affected with KATNB1-related conditions. Algorithms developed to predict the effect of missense changes on protein structure and function are either unavailable or do not agree on the potential impact of this missense change (SIFT: "Tolerated"; PolyPhen-2: "Possibly Damaging"; Align-GVGD: "Class C0"). In summary, the available evidence is currently insufficient to determine the role of this variant in disease. Therefore, it has been classified as a Variant of Uncertain Significance. This sequence change replaces alanine, which is neutral and non-polar, with aspartic acid, which is acidic and polar, at codon 652 of the KATNB1 protein (p.Ala652Asp).

Ambry Genetics
Classification: Uncertain significance for Inborn genetic diseases. Last evaluated: 2021-06-30. Review status: criteria provided, single submitter. Criteria: Ambry Variant Classification Scheme 2023. Collection method: clinical testing. Allele origin: germline.

NM_005886.3(KATNB1):c.1955C>A (p.Ala652Asp)

Gene: KATNB1 (katanin regulatory subunit B1; plus strand). Cytogenetic location: 16q21.
Variant type: single nucleotide variant.
Coding change: c.1955C>A on transcript NM_005886.3 (MANE Select); coding-DNA position 1955, C replaced by A.
Protein change: p.Ala652Asp; replaces alanine 652 with aspartic acid.
Molecular consequence: missense variant.
Genome position (GRCh38, 1-based): chr16:57,756,933, C>A. VCF-style: chr16-57756933-C-A. GRCh37 (hg19) VCF-style: chr16-57790845-C-A.
Other names: short protein forms A652D.
Identifiers: ClinVar variation 1913969 (VCV001913969.6), dbSNP rs782207322, ClinGen allele CA8081428.